The following is an entry in ClinVar:

ClinVar aggregate classification (germline): Uncertain significance (1 of 4 stars; one submission).

Conditions:
Malignant hyperthermia, susceptibility to, 1 (MHS1). Also called: Anesthesia related hyperthermia; Malignant hyperpyrexia; Fulminating hyperpyrexia; Pharmacogenic myopathy; RYR1-Related Malignant Hyperthermia Susceptibility; Malignant hyperthermia suceptibility 1. Identifiers: Orphanet 423, MedGen C2930980, MONDO:0007783, OMIM 145600.

Submission:

All of Us Research Program, National Institutes of Health
Classification: Uncertain significance for Malignant hyperthermia, susceptibility to, 1. Last evaluated: 2023-11-20. Review status: criteria provided, single submitter. Criteria: ACMG Guidelines, 2015. Collection method: clinical testing. Allele origin: germline. Inheritance: Autosomal dominant inheritance. Observed: 2 variant alleles, 2 heterozygotes.
Comment: This missense variant replaces alanine with valine at codon 2557 of the RYR1 protein. Computational prediction is inconclusive regarding the impact of this variant on protein structure and function (internally defined REVEL score threshold 0.5 < inconclusive < 0.7, PMID: 27666373). To our knowledge, functional studies have not been reported for this variant. This variant has not been reported in individuals affected with RYR1-related disorders in the literature. This variant has not been identified in the general population by the Genome Aggregation Database (gnomAD). The available evidence is insufficient to determine the role of this variant in disease conclusively. Therefore, this variant is classified as a Variant of Uncertain Significance.

This study involves interpretation of variants in research participants for the purpose of population health screening. Participant phenotype was not available at the time of variant classification. Additional details can be found in publication PMID: 35346344, PMCID: PMC8962531

NM_000540.3(RYR1):c.7670C>T (p.Ala2557Val)

Gene: RYR1 (ryanodine receptor 1; plus strand). Cytogenetic location: 19q13.2.
Variant type: single nucleotide variant.
Coding change: c.7670C>T on transcript NM_000540.3 (MANE Select); coding-DNA position 7670, C replaced by T.
Protein change: p.Ala2557Val; replaces alanine 2557 with valine.
Molecular consequence: missense variant.
Genome position (GRCh38, 1-based): chr19:38,502,562, C>T. VCF-style: chr19-38502562-C-T. GRCh37 (hg19) VCF-style: chr19-38993202-C-T.
Other names: c.7670C>T, p.Ala2557Val (NM_001042723.2); short protein forms A2557V.
Identifiers: ClinVar variation 3072856 (VCV003072856.1), dbSNP rs1600831650, ClinGen allele CA405671556.
Genomic context (GRCh38, chr19:38,502,562, plus strand): 5'-CCTAGGCCACTTTCAGCACCACCGAGATGGCGCTGGCGCTGAACCGCTACCTGTGCCTGG[C>T]CGTGCTGCCGCTCATCACCAAGTGTGCGCCGCTCTTTGCGGGCACAGAACACCGCGCCAT-3'
Protein context (NP_000531.2, residues 2547-2567): ALALNRYLCL[Ala2557Val]VLPLITKCAP